The following is an entry in ClinVar:

NM_001206999.2(CIT):c.4151A>G (p.Glu1384Gly)

Gene: CIT (citron rho-interacting serine/threonine kinase; minus strand). Cytogenetic location: 12q24.23.
Variant type: single nucleotide variant.
Coding change: c.4151A>G on transcript NM_001206999.2 (MANE Select); coding-DNA position 4151, A replaced by G.
Protein change: p.Glu1384Gly; replaces glutamic acid 1384 with glycine.
Molecular consequence: missense variant.
Genome position (GRCh38, 1-based): chr12:119,718,262, T>C on the plus strand (A>G on the coding strand, the complement: CIT is on the minus strand). VCF-style: chr12-119718262-T-C. GRCh37 (hg19) VCF-style: chr12-120156067-T-C.
Other names: c.4025A>G, p.Glu1342Gly (NM_007174.3); short protein forms E1384G, E1342G.
Identifiers: ClinVar variation 3661715 (VCV003661715.2).
Genomic context (GRCh38, chr12:119,718,262, plus strand): 5'-GTCTTAGTCGACTAAAAGAAATTTCCATACAACTCCAACGTACCCTCTGGAGTTGAAGAC[T>C]CCTTTCTGCGGCTGGATGGCGGGGCCAGCAGGCTCATGGCACTGGGCTGGTGCTCTGGCG-3'
Protein context (NP_001193928.1, residues 1374-1394): LLAPPSSRRK[Glu1384Gly]SSTPEEFSRR

ClinVar aggregate classification (germline): Uncertain significance (1 of 4 stars; one submission).

Submission:

Labcorp Genetics (formerly Invitae), Labcorp
Classification: Uncertain significance. Last evaluated: 2024-08-31. Review status: criteria provided, single submitter. Criteria: Invitae Variant Classification Sherloc (09022015). Collection method: clinical testing. Allele origin: germline.
Comment: This sequence change replaces glutamic acid, which is acidic and polar, with glycine, which is neutral and non-polar, at codon 1384 of the CIT protein (p.Glu1384Gly). This variant is not present in population databases (gnomAD no frequency). This variant has not been reported in the literature in individuals affected with CIT-related conditions. An algorithm developed to predict the effect of missense changes on protein structure and function (PolyPhen-2) suggests that this variant is likely to be tolerated. In summary, the available evidence is currently insufficient to determine the role of this variant in disease. Therefore, it has been classified as a Variant of Uncertain Significance.